The following is an entry in ClinVar:

ClinVar aggregate classification (germline): Pathogenic (1 of 4 stars; one submission).

Conditions:
Joubert syndrome 14 (JBTS14). Identifiers: MedGen C3280766, MONDO:0013745, OMIM 614424.

Submission:

Labcorp Genetics (formerly Invitae), Labcorp
Classification: Pathogenic for Joubert syndrome 14. Last evaluated: 2026-01-09. Review status: criteria provided, single submitter. Criteria: Invitae Variant Classification Sherloc (09022015). Collection method: clinical testing. Allele origin: germline.
Comment: This sequence change creates a premature translational stop signal (p.Thr159Asnfs*16) in the TMEM237 gene. It is expected to result in an absent or disrupted protein product. Loss-of-function variants in TMEM237 are known to be pathogenic (PMID: 22152675). This variant is not present in population databases (gnomAD no frequency). This variant has not been reported in the literature in individuals affected with TMEM237-related conditions. ClinVar contains an entry for this variant (Variation ID: 1456904). For these reasons, this variant has been classified as Pathogenic.

Literature cited by the submitters: PubMed 22152675.

NM_001044385.3(TMEM237):c.470_473dup (p.Thr159fs)

Gene: TMEM237 (transmembrane protein 237; minus strand). Cytogenetic location: 2q33.1.
Variant type: Duplication.
Coding change: c.470_473dup on transcript NM_001044385.3 (MANE Select); coding-DNA positions 470 to 473, 4 bases duplicated (AAAC; older notation c.470_473dupAAAC).
Protein change: p.Thr159fs; shifts the reading frame from threonine 159.
Molecular consequence: frameshift variant.
Genome position (GRCh38, 1-based): chr2:201,632,131-201,632,134, GTTT duplicated on the plus strand (AAAC on the coding strand, the reverse complement: TMEM237 is on the minus strand); duplicating any 4 consecutive bases within chr2:201,632,131-201,632,135 gives the same sequence; the c. name uses the placement nearest the transcript's 3' end. VCF-style (leftmost placement, unchanged base first): chr2-201632130-A-AGTTT. GRCh37 (hg19) VCF-style: chr2-202496853-A-AGTTT.
Other names: c.446_449dup, p.Thr151fs (NM_152388.4); short protein forms T159fs, T151fs.
Identifiers: ClinVar variation 1456904 (VCV001456904.6), dbSNP rs1957813141, ClinGen allele CA1321133964.